The following is an entry in ClinVar:

ClinVar aggregate classification (germline): Conflicting classifications of pathogenicity. Review status: criteria provided, conflicting classifications (1 of 4 stars). 3 submissions from 3 submitters: Uncertain significance (1); Likely benign (2). Last evaluated 2023-12-28.

Conditions:
Inborn genetic diseases. Identifiers: MedGen C0950123, MeSH D030342.

Allele frequency attached by ClinVar (database versions not stated): TOPMed 0.00002; ExAC 0.00004; ESP Exome Variant Server 0.00008; gnomAD 0.00004.
gnomAD v4.1: 106 of 1,614,002 alleles (0.0066%); highest among the groups gnomAD compares: African/African-American, 0.0093%; 1 homozygote.

Submissions (3):

Ambry Genetics
Classification: Likely benign for Inborn genetic diseases. Last evaluated: 2023-12-28. Review status: criteria provided, single submitter. Criteria: Ambry Variant Classification Scheme 2023. Collection method: clinical testing. Allele origin: germline.

Labcorp Genetics (formerly Invitae), Labcorp
Classification: Uncertain significance. Last evaluated: 2022-07-22. Review status: criteria provided, single submitter. Criteria: Invitae Variant Classification Sherloc (09022015). Collection method: clinical testing. Allele origin: germline.
Comment: This variant has not been reported in the literature in individuals affected with NDE1-related conditions. This variant is present in population databases (rs373842185, gnomAD 0.005%). This sequence change affects codon 129 of the NDE1 mRNA. It is a 'silent' change, meaning that it does not change the encoded amino acid sequence of the NDE1 protein. It affects a nucleotide within the consensus splice site. ClinVar contains an entry for this variant (Variation ID: 680350). In summary, the available evidence is currently insufficient to determine the role of this variant in disease. Therefore, it has been classified as a Variant of Uncertain Significance. Algorithms developed to predict the effect of sequence changes on RNA splicing suggest that this variant is not likely to affect RNA splicing.

GeneDx
Classification: Likely benign. Last evaluated: 2018-03-14. Review status: criteria provided, single submitter. Criteria: GeneDx Variant Classification (06012015). Collection method: clinical testing. Allele origin: germline. Affected: yes.
Comment: This variant is considered likely benign or benign based on one or more of the following criteria: it is a conservative change, it occurs at a poorly conserved position in the protein, it is predicted to be benign by multiple in silico algorithms, and/or has population frequency not consistent with disease.

NM_017668.3(NDE1):c.387C>T (p.Arg129=)

Gene: NDE1 (nudE neurodevelopment protein 1; plus strand). Cytogenetic location: 16p13.11.
Variant type: single nucleotide variant.
Coding change: c.387C>T on transcript NM_017668.3 (MANE Select); coding-DNA position 387, C replaced by T.
Protein change: p.Arg129=; no amino-acid change (arginine 129 retained).
Molecular consequence: synonymous variant.
Genome position (GRCh38, 1-based): chr16:15,687,375, C>T. VCF-style: chr16-15687375-C-T. GRCh37 (hg19) VCF-style: chr16-15781232-C-T.
Other names: c.387C>T, p.Arg129= (NM_001143979.2).
Identifiers: ClinVar variation 680350 (VCV000680350.7), dbSNP rs373842185, ClinGen allele CA7920657.